The following is an entry in ClinVar:

NM_015375.3(DSTYK):c.95G>A (p.Gly32Asp)

Gene: DSTYK (dual serine/threonine and tyrosine protein kinase; minus strand). Cytogenetic location: 1q32.1.
Variant type: single nucleotide variant.
Coding change: c.95G>A on transcript NM_015375.3 (MANE Select); coding-DNA position 95, G replaced by A.
Protein change: p.Gly32Asp; replaces glycine 32 with aspartic acid.
Molecular consequence: missense variant.
Genome position (GRCh38, 1-based): chr1:205,211,441, C>T on the plus strand (G>A on the coding strand, the complement: DSTYK is on the minus strand). VCF-style: chr1-205211441-C-T. GRCh37 (hg19) VCF-style: chr1-205180569-C-T.
Other names: c.95G>A, p.Gly32Asp (NM_199462.3); short protein forms G32D.
Identifiers: ClinVar variation 2371404 (VCV002371404.7), dbSNP rs199644054, ClinGen allele CA1353134.

ClinVar aggregate classification (germline): Uncertain significance. Review status: criteria provided, multiple submitters, no conflicts (2 of 4 stars). 3 submissions from 3 submitters: Uncertain significance (3). Last evaluated 2025-10-11.

Conditions:
Congenital anomalies of kidney and urinary tract 1. Also called: Renal hypodysplasia, nonsyndromic, 1; Congenital anomalies of kidney and urinary tract 1, susceptibility to. Identifiers: MedGen C1835826, MONDO:0012561, OMIM 610805.
Hereditary spastic paraplegia 23. Also called: LISON SYNDROME; SPASTIC PARAPARESIS, VITILIGO, PREMATURE GRAYING, CHARACTERISTIC FACIES; SPASTIC PARAPLEGIA WITH PIGMENTARY ABNORMALITIES. Identifiers: Orphanet 101003, MedGen C0796019, MONDO:0010046, OMIM 270750.

Allele frequency attached by ClinVar (database versions not stated): gnomAD 0.00025; ExAC 0.00031; TOPMed 0.00031; 1000 Genomes Project 30x 0.00031.
gnomAD v4.1: 456 of 1,603,356 alleles (0.028%); highest among the groups gnomAD compares: Admixed American, 0.049%; no homozygotes.

Submissions (3):

Labcorp Genetics (formerly Invitae), Labcorp
Classification: Uncertain significance. Last evaluated: 2025-10-11. Review status: criteria provided, single submitter. Criteria: Invitae Variant Classification Sherloc (09022015). Collection method: clinical testing. Allele origin: germline.
Comment: This sequence change replaces glycine, which is neutral and non-polar, with aspartic acid, which is acidic and polar, at codon 32 of the DSTYK protein (p.Gly32Asp). This variant is present in population databases (rs199644054, gnomAD 0.05%). This variant has not been reported in the literature in individuals affected with DSTYK-related conditions. ClinVar contains an entry for this variant (Variation ID: 2371404). An algorithm developed to predict the effect of missense changes on protein structure and function (PolyPhen-2) suggests that this variant is likely to be tolerated. In summary, the available evidence is currently insufficient to determine the role of this variant in disease. Therefore, it has been classified as a Variant of Uncertain Significance.

Ambry Genetics
Classification: Uncertain significance. Last evaluated: 2024-09-11. Review status: criteria provided, single submitter. Criteria: Ambry Variant Classification Scheme 2023. Collection method: clinical testing. Allele origin: germline.

Fulgent Genetics
Classification: Uncertain significance for Hereditary spastic paraplegia 23; Congenital anomalies of kidney and urinary tract 1. Last evaluated: 2023-12-27. Review status: criteria provided, single submitter. Criteria: ACMG Guidelines, 2015. Collection method: clinical testing. Allele origin: germline.